The following is an entry in ClinVar:

NM_021147.5(CCNO):c.272C>G (p.Ala91Gly)

Genes: CCNO (cyclin O; minus strand), LOC129993895 (ATAC-STARR-seq lymphoblastoid silent region 16013; plus strand). Cytogenetic location: 5q11.2.
Variant type: single nucleotide variant.
Coding change: c.272C>G on transcript NM_021147.5 (MANE Select); coding-DNA position 272, C replaced by G.
Protein change: p.Ala91Gly; replaces alanine 91 with glycine.
Molecular consequence: missense variant. On other transcripts: non-coding transcript variant (2).
Genome position (GRCh38, 1-based): chr5:55,233,252, G>C on the plus strand (C>G on the coding strand, the complement: CCNO is on the minus strand). VCF-style: chr5-55233252-G-C. GRCh37 (hg19) VCF-style: chr5-54529080-G-C.
Other names: short protein forms A91G.
Identifiers: ClinVar variation 3671421 (VCV003671421.2).

ClinVar aggregate classification (germline): Uncertain significance (1 of 4 stars; one submission).

Conditions:
Primary ciliary dyskinesia. Also called: Ciliary dyskinesia. Identifiers: Orphanet 244, MedGen C0008780, MONDO:0016575, HP:0012265.

Submission:

Labcorp Genetics (formerly Invitae), Labcorp
Classification: Uncertain significance for Primary ciliary dyskinesia. Last evaluated: 2024-05-06. Review status: criteria provided, single submitter. Criteria: Invitae Variant Classification Sherloc (09022015). Collection method: clinical testing. Allele origin: germline.
Comment: This sequence change replaces alanine, which is neutral and non-polar, with glycine, which is neutral and non-polar, at codon 91 of the CCNO protein (p.Ala91Gly). This variant is not present in population databases (gnomAD no frequency). This variant has not been reported in the literature in individuals affected with CCNO-related conditions. Advanced modeling of protein sequence and biophysical properties (such as structural, functional, and spatial information, amino acid conservation, physicochemical variation, residue mobility, and thermodynamic stability) performed at Invitae indicates that this missense variant is not expected to disrupt CCNO protein function with a negative predictive value of 80%. In summary, the available evidence is currently insufficient to determine the role of this variant in disease. Therefore, it has been classified as a Variant of Uncertain Significance.